The following is an entry in ClinVar:

ClinVar aggregate classification (germline): Uncertain significance (1 of 4 stars; one submission).

gnomAD v4.1: 2 of 1,613,238 alleles (0.00012%); highest among the groups gnomAD compares: Non-Finnish European, 0.00017%; no homozygotes.

Submission:

Ambry Genetics
Classification: Uncertain significance. Last evaluated: 2025-04-01. Review status: criteria provided, single submitter. Criteria: Ambry Variant Classification Scheme 2023. Collection method: clinical testing. Allele origin: germline.
Comment: The p.F194V variant (also known as c.580T>G), located in coding exon 4 of the ATRIP gene, results from a T to G substitution at nucleotide position 580. The phenylalanine at codon 194 is replaced by valine, an amino acid with highly similar properties. This amino acid position is conserved. In addition, this alteration is predicted to be deleterious by in silico analysis. Based on the available evidence, the clinical significance of this variant remains unclear.

NM_130384.3(ATRIP):c.580T>G (p.Phe194Val)

Genes: ATRIP (ATR interacting protein; plus strand), ATRIP-TREX1 (ATRIP-TREX1 readthrough; plus strand). Cytogenetic location: 3p21.31.
Variant type: single nucleotide variant.
Coding change: c.580T>G on transcript NM_130384.3 (MANE Select); coding-DNA position 580, T replaced by G.
Protein change: p.Phe194Val; replaces phenylalanine 194 with valine.
Molecular consequence: missense variant. On other transcripts: non-coding transcript variant (1).
Genome position (GRCh38, 1-based): chr3:48,454,327, T>G. VCF-style: chr3-48454327-T-G. GRCh37 (hg19) VCF-style: chr3-48495727-T-G.
Other names: c.199T>G, p.Phe67Val (NM_001271022.2); c.301T>G, p.Phe101Val (NM_001271023.2); c.580T>G, p.Phe194Val (NM_032166.4); short protein forms F194V, F67V, F101V.
Identifiers: ClinVar variation 3975882 (VCV003975882.1).